The following is an entry in ClinVar:

ClinVar aggregate classification (germline): Likely benign. Review status: criteria provided, multiple submitters, no conflicts (2 of 4 stars). 3 submissions from 3 submitters: Likely benign (3). Last evaluated 2025-11-21.

Conditions:
Spondylodysplastic Ehlers-Danlos syndrome. Identifiers: Orphanet 536471, Orphanet 75496, MedGen C5680154, MONDO:0007526.

gnomAD v4.1: 23 of 1,613,044 alleles (0.0014%); highest among the groups gnomAD compares: African/African-American, 0.013%; no homozygotes.

Submissions (3):

Labcorp Genetics (formerly Invitae), Labcorp
Classification: Likely benign for Spondylodysplastic Ehlers-Danlos syndrome. Last evaluated: 2025-11-21. Review status: criteria provided, single submitter. Criteria: Invitae Variant Classification Sherloc (09022015). Collection method: clinical testing. Allele origin: germline.

Mayo Clinic Laboratories, Mayo Clinic
Classification: Likely benign. Last evaluated: 2025-07-30. Review status: criteria provided, single submitter. Criteria: ACMG Guidelines, 2015. Collection method: clinical testing. Allele origin: germline. Observed: 1 variant allele.
Comment: BP4, BP7

Blueprint Genetics
Classification: Likely benign. Last evaluated: 2024-08-14. Review status: criteria provided, single submitter. Criteria: ACMG Guidelines, 2015. Collection method: clinical testing. Allele origin: germline.

NM_007255.3(B4GALT7):c.957C>G (p.Thr319=)

Gene: B4GALT7 (beta-1,4-galactosyltransferase 7; plus strand). Cytogenetic location: 5q35.3.
Variant type: single nucleotide variant.
Coding change: c.957C>G on transcript NM_007255.3 (MANE Select); coding-DNA position 957, C replaced by G.
Protein change: p.Thr319=; no amino-acid change (threonine 319 retained).
Molecular consequence: synonymous variant.
Genome position (GRCh38, 1-based): chr5:177,609,668, C>G. VCF-style: chr5-177609668-C-G. GRCh37 (hg19) VCF-style: chr5-177036669-C-G.
Other names: p.Thr319=.
Identifiers: ClinVar variation 2414606 (VCV002414606.10), dbSNP rs138973879, ClinGen allele CA3586754.